The following is an entry in ClinVar:

NM_001040108.2(MLH3):c.862A>T (p.Arg288Trp)

Gene: MLH3 (mutL homolog 3; minus strand). Cytogenetic location: 14q24.3.
Variant type: single nucleotide variant.
Coding change: c.862A>T on transcript NM_001040108.2 (MANE Select); coding-DNA position 862, A replaced by T.
Protein change: p.Arg288Trp; replaces arginine 288 with tryptophan.
Molecular consequence: missense variant.
Genome position (GRCh38, 1-based): chr14:75,048,794, T>A on the plus strand (A>T on the coding strand, the complement: MLH3 is on the minus strand). VCF-style: chr14-75048794-T-A. GRCh37 (hg19) VCF-style: chr14-75515497-T-A.
Other names: c.862A>T, p.Arg288Trp (NM_014381.3); short protein forms R288W.
Identifiers: ClinVar variation 4055516 (VCV004055516.1).

ClinVar aggregate classification (germline): Uncertain significance (1 of 4 stars; one submission).

Submission:

Ambry Genetics
Classification: Uncertain significance. Last evaluated: 2025-05-31. Review status: criteria provided, single submitter. Criteria: Ambry Variant Classification Scheme 2023. Collection method: clinical testing. Allele origin: germline.
Comment: The p.R288W variant (also known as c.862A>T), located in coding exon 1 of the MLH3 gene, results from an A to T substitution at nucleotide position 862. The arginine at codon 288 is replaced by tryptophan, an amino acid with dissimilar properties. This amino acid position is conserved. In addition, the in silico prediction for this alteration is inconclusive. Based on the available evidence, the clinical significance of this variant remains unclear.